The following is an entry in ClinVar:

NM_080680.3(COL11A2):c.5071-5T>G

Gene: COL11A2 (collagen type XI alpha 2 chain; minus strand). Cytogenetic location: 6p21.32.
Variant type: single nucleotide variant.
Coding change: c.5071-5T>G on transcript NM_080680.3 (MANE Select); 5 bases into the intron before coding-DNA position 5071, T replaced by G.
Molecular consequence: intron variant.
Genome position (GRCh38, 1-based): chr6:33,163,823, A>C on the plus strand (T>G on the coding strand, the complement: COL11A2 is on the minus strand). VCF-style: chr6-33163823-A-C. GRCh37 (hg19) VCF-style: chr6-33131600-A-C.
Other names: c.4750-5T>G (NM_080679.3); c.4813-5T>G (NM_080681.3).
Identifiers: ClinVar variation 226539 (VCV000226539.42), dbSNP rs368309085, ClinGen allele CA3749911.

ClinVar aggregate classification (germline): Benign/Likely benign. Review status: criteria provided, multiple submitters, no conflicts (2 of 4 stars). 8 submissions from 7 submitters: Benign (4); Likely benign (4). Last evaluated 2026-02-02.

Conditions:
Connective tissue disorder. Also called: Connective tissue disease. Identifiers: MedGen C0009782, MONDO:0003900.
Fibrochondrogenesis 2 (FBCG2). Identifiers: Orphanet 2021, MedGen C3281128, MONDO:0013795, OMIM 614524.
Otospondylomegaepiphyseal dysplasia, autosomal recessive (OSMEDB). Also called: Insley-Astley syndrome; CHONDRODYSTROPHY WITH SENSORINEURAL DEAFNESS. Identifiers: Orphanet 1427, MedGen CN034493, MONDO:0044206, OMIM 215150.

Allele frequency attached by ClinVar (database versions not stated): gnomAD 0.00026 and 0.00054; TOPMed 0.00028; gnomAD exomes 0.00041 and 0.00093; ExAC 0.00105; 1000 Genomes Project 0.00200; 1000 Genomes Project 30x 0.00234.
gnomAD v4.1: 773 of 1,612,896 alleles (0.048%); highest among the groups gnomAD compares: South Asian, 0.6%; 25 homozygotes.

Submissions (8):

Labcorp Genetics (formerly Invitae), Labcorp
Classification: Benign. Last evaluated: 2026-02-02. Review status: criteria provided, single submitter. Criteria: Invitae Variant Classification Sherloc (09022015). Collection method: clinical testing. Allele origin: germline.

Women's Health and Genetics/Laboratory Corporation of America, LabCorp
Classification: Benign. Last evaluated: 2025-11-14. Review status: criteria provided, single submitter. Criteria: LabCorp Variant Classification Summary - May 2015. Collection method: clinical testing. Allele origin: germline.
Comment: Variant summary: COL11A2 c.5071-5T>G alters a nucleotide located at a position not widely known to affect splicing. Several computational tools predict a significant impact on normal splicing: Two predict the variant abolishes a 3' acceptor site. Two predict the variant weakens a 3' acceptor site. However, these predictions have yet to be confirmed by functional studies. The variant allele was found at a frequency of 0.00048 in 1605924 control chromosomes, predominantly at a frequency of 0.006 within the South Asian subpopulation in the gnomAD database, including 25 homozygotes, and was predominantly found at a frequency of 0.006 within the South Asian subpopulation in the gnomAD database (v4.1 dataset). The observed variant frequency within South Asian control individuals in the gnomAD database exceeds the estimated maximal expected allele frequency for disease-causing variants in COL11A2. To our knowledge, no occurrence of c.5071-5T>G in individuals affected with COL11A2-related conditions and no experimental evidence demonstrating its impact on protein function have been reported. ClinVar contains an entry for this variant (Variation ID: 226539). Based on the evidence outlined above, the variant was classified as benign.

CeGaT Center for Human Genetics Tuebingen
Classification: Likely benign. Last evaluated: 2024-01-01. Review status: criteria provided, single submitter. Criteria: CeGaT Center For Human Genetics Tuebingen Variant Classification Criteria Version 2. Collection method: clinical testing. Allele origin: germline. Affected: yes. Observed: 2 variant alleles.
Comment: COL11A2: BS2

Genome Diagnostics Laboratory, The Hospital for Sick Children
Classification: Likely benign for Connective tissue disorder. Last evaluated: 2020-05-01. Review status: criteria provided, single submitter. Criteria: ACMG Guidelines, 2015. Collection method: clinical testing. Allele origin: germline.

GeneDx
Classification: Benign. Last evaluated: 2018-11-26. Review status: criteria provided, single submitter. Criteria: GeneDx Variant Classification Process June 2021. Collection method: clinical testing. Allele origin: germline. Affected: yes.

Illumina Laboratory Services, Illumina
Classification: Likely benign for Otospondylomegaepiphyseal dysplasia, autosomal recessive. Last evaluated: 2018-01-13. Review status: criteria provided, single submitter. Criteria: ICSL Variant Classification Criteria 13 December 2019. Collection method: clinical testing. Allele origin: germline.
Comment: This variant was observed in the ICSL laboratory as part of a predisposition screen in an ostensibly healthy population. It had not been previously curated by ICSL or reported in the Human Gene Mutation Database (HGMD: prior to June 1st, 2018), and was therefore a candidate for classification through an automated scoring system. Utilizing variant allele frequency, disease prevalence and penetrance estimates, and inheritance mode, an automated score was calculated to assess if this variant is too frequent to cause the disease. Based on the score and internal cut-off values, a variant classified as likely benign is not then subjected to further curation. The score for this variant resulted in a classification of likely benign for this disease.

Illumina Laboratory Services, Illumina
Classification: Likely benign for Fibrochondrogenesis 2. Last evaluated: 2018-01-13. Review status: criteria provided, single submitter. Criteria: ICSL Variant Classification Criteria 13 December 2019. Collection method: clinical testing. Allele origin: germline.
Comment: the same text as in the submission from Illumina Laboratory Services, Illumina above.

Laboratory for Molecular Medicine, Mass General Brigham Personalized Medicine
Classification: Benign. Last evaluated: 2015-09-08. Review status: criteria provided, single submitter. Criteria: LMM Criteria. Collection method: clinical testing. Allele origin: germline. Observed: 2 variant alleles.
Comment: c.5071-5T>G in intron 65 of COL11A2: This variant is not expected to have clinic al significance because it has been identified in 0.6% (105/16262) of South Asia n chromosomes by the Exome Aggregation Consortium (ExAC; dbSNP rs368309085).